The following is an entry in ClinVar:

NM_004006.3(DMD):c.9621T>A (p.Cys3207Ter)

Gene: DMD (dystrophin; minus strand). Cytogenetic location: Xp21.2.
Variant type: single nucleotide variant.
Coding change: c.9621T>A on transcript NM_004006.3 (MANE Select); coding-DNA position 9621, T replaced by A.
Protein change: p.Cys3207Ter; replaces cysteine 3207 with a stop codon.
Molecular consequence: nonsense.
Genome position (GRCh38, 1-based): chrX:31,206,610, A>T on the plus strand (T>A on the coding strand, the complement: DMD is on the minus strand). VCF-style: chrX-31206610-A-T. GRCh37 (hg19) VCF-style: chrX-31224727-A-T.
Other names: c.9252T>A, p.Cys3084Ter (NM_004010.3); c.5598T>A, p.Cys1866Ter (NM_004011.4); c.5589T>A, p.Cys1863Ter (NM_004012.4); c.2241T>A, p.Cys747Ter (NM_004013.3, NM_004020.4, NM_004021.3 and 2 more transcripts); c.1434T>A, p.Cys478Ter (NM_004014.3); c.417T>A, p.Cys139Ter (NM_004015.3, NM_004016.3, NM_004017.3 and 2 more transcripts); c.9597T>A, p.Cys3199Ter (NM_000109.4); c.9609T>A, p.Cys3203Ter (NM_004009.3); short protein forms C3207*, C1866*, C3084*, C139*, C3203*, C1863*, C3199*, C478*.
Identifiers: ClinVar variation 409890 (VCV000409890.2), dbSNP rs1057524037, ClinGen allele CA16616655.

ClinVar aggregate classification (germline): Pathogenic. Review status: criteria provided, multiple submitters, no conflicts (2 of 4 stars). 2 submissions from 2 submitters: Pathogenic (2). Last evaluated 2024-05-08.

Conditions:
Progressive muscular dystrophy. Identifiers: Orphanet 206644, MedGen C4551827, MONDO:0016106.
Duchenne muscular dystrophy (DMD). Also called: Duchenne Muscular Dystrophy (DMD); MUSCULAR DYSTROPHY, PSEUDOHYPERTROPHIC PROGRESSIVE, DUCHENNE TYPE. Identifiers: Orphanet 98896, MedGen C0013264, MONDO:0010679, OMIM 310200.

Submissions (2):

Myriad Genetics, Inc.
Classification: Pathogenic for Progressive muscular dystrophy. Last evaluated: 2024-05-08. Review status: criteria provided, single submitter. Criteria: Myriad Autosomal Dominant, Autosomal Recessive and X-Linked Classification Criteria (2023). Collection method: clinical testing. Allele origin: unknown.
Comment: NM_004006.2(DMD):c.9621T>A(C3207*) is expected to be pathogenic in the context of dystrophinopathy (including Duchenne/Becker muscular dystrophy). This variant is predicted to lead to an abnormal or absent protein product due to the creation of a premature termination codon in DMD, a gene where loss-of-function variants are known to be pathogenic. Please note: this variant was assessed in the context of healthy population screening.

Labcorp Genetics (formerly Invitae), Labcorp
Classification: Pathogenic for Duchenne muscular dystrophy. Last evaluated: 2016-10-25. Review status: criteria provided, single submitter. Criteria: Invitae Variant Classification Sherloc (09022015). Collection method: clinical testing. Allele origin: germline.
Comment: This sequence change creates a premature translational stop signal at codon 3207 (p.Cys3207*) of the DMD gene. It is expected to result in an absent or disrupted protein product. While this particular variant has not been reported in the literature, loss-of-function variants in DMD are known to be pathogenic (PMID: 16770791). For these reasons, this variant has been classified as Pathogenic.